The following is an entry in ClinVar:

NM_001042492.3(NF1):c.4051dup (p.Ile1351fs)

Gene: NF1 (neurofibromin 1; plus strand). Cytogenetic location: 17q11.2.
Variant type: Duplication.
Coding change: c.4051dup on transcript NM_001042492.3 (MANE Select); coding-DNA position 4051, one base duplicated (A; older notation c.4051dupA).
Protein change: p.Ile1351fs; shifts the reading frame from isoleucine 1351.
Molecular consequence: frameshift variant.
Genome position (GRCh38, 1-based): chr17:31,249,060, A duplicated. VCF-style (leftmost placement, unchanged base first): chr17-31249059-C-CA. GRCh37 (hg19) VCF-style: chr17-29576077-C-CA.
Other names: c.4051dup, p.Ile1351Asnfs (NM_000267.4); short protein forms I1351fs.
Identifiers: ClinVar variation 948755 (VCV000948755.3), dbSNP rs2067449978, ClinGen allele CA1139665366.
Genomic context (GRCh38, chr17:31,249,059, plus strand): 5'-GAGCCTTGAGGAAAACCAGCGGAACCTCCTTCAGATGACTGAAAAGTTCTTCCATGCCAT[C>CA]ATCAGTTCCTCCTCAGAATTCCCCCCTCAACTTCGAAGTGTGTGCCACTGTTTATACCAG-3'

ClinVar aggregate classification (germline): Pathogenic. Review status: criteria provided, multiple submitters, no conflicts (2 of 4 stars). 2 submissions from 2 submitters: Pathogenic (2). Last evaluated 2026-01-13.

Conditions:
Neurofibromatosis, type 1 (NF1). Also called: VON RECKLINGHAUSEN DISEASE; Peripheral type neurofibromatosis; Neurofibromatosis, type I; NEUROFIBROMATOSIS, TYPE I, SOMATIC. Identifiers: Orphanet 636, MedGen C0027831, MONDO:0018975, OMIM 162200. Disease mechanism: loss of function.

Submissions (2):

Myriad Genetics, Inc.
Classification: Pathogenic for Neurofibromatosis, type 1. Last evaluated: 2026-01-13. Review status: criteria provided, single submitter. Criteria: Myriad Autosomal Dominant, Autosomal Recessive and X-Linked Classification Criteria (2023). Collection method: clinical testing. Allele origin: unknown.
Comment: This variant is considered pathogenic. This variant creates a frameshift predicted to result in premature protein truncation.

Labcorp Genetics (formerly Invitae), Labcorp
Classification: Pathogenic for Neurofibromatosis, type 1. Last evaluated: 2019-07-20. Review status: criteria provided, single submitter. Criteria: Invitae Variant Classification Sherloc (09022015). Collection method: clinical testing. Allele origin: germline.
Comment: This sequence change creates a premature translational stop signal (p.Ile1351Asnfs*23) in the NF1 gene. It is expected to result in an absent or disrupted protein product. This variant is not present in population databases (ExAC no frequency). This variant has not been reported in the literature in individuals with NF1-related conditions. Loss-of-function variants in NF1 are known to be pathogenic (PMID: 10712197, 23913538). For these reasons, this variant has been classified as Pathogenic.

Literature cited by the submitters: PubMed 10712197 (cited by Labcorp Genetics (formerly Invitae), Labcorp); PubMed 23913538 (cited by Labcorp Genetics (formerly Invitae), Labcorp).